The following is an entry in ClinVar:

ClinVar aggregate classification (germline): Likely pathogenic (1 of 4 stars; one submission).

Conditions:
Glycogen storage disease IXb (GSD9B). Also called: GLYCOGENOSIS OF LIVER AND MUSCLE, AUTOSOMAL RECESSIVE; GSD IXb; PHOSPHORYLASE KINASE DEFICIENCY OF LIVER AND MUSCLE, AUTOSOMAL RECESSIVE. Identifiers: Orphanet 79240, MedGen C0543514, MONDO:0009868, OMIM 261750.

Submission:

Labcorp Genetics (formerly Invitae), Labcorp
Classification: Likely pathogenic for Glycogen storage disease IXb. Last evaluated: 2025-05-12. Review status: criteria provided, single submitter. Criteria: Invitae Variant Classification Sherloc (09022015). Collection method: clinical testing. Allele origin: germline.
Comment: This sequence change affects a donor splice site in intron 21 of the PHKB gene. It is expected to disrupt RNA splicing. Variants that disrupt the donor or acceptor splice site typically lead to a loss of protein function (PMID: 16199547), and loss-of-function variants in PHKB are known to be pathogenic (PMID: 9215682, 9326319). This variant is not present in population databases (gnomAD no frequency). This variant has not been reported in the literature in individuals affected with PHKB-related conditions. Algorithms developed to predict the effect of sequence changes on RNA splicing suggest that this variant may disrupt the consensus splice site. In summary, the currently available evidence indicates that the variant is pathogenic, but additional data are needed to prove that conclusively. Therefore, this variant has been classified as Likely Pathogenic.

Literature cited by the submitters: PubMed 16199547; PubMed 9215682; PubMed 9326319.

NM_000293.3(PHKB):c.2033+1G>T

Gene: PHKB (phosphorylase kinase regulatory subunit beta; plus strand). Cytogenetic location: 16q12.1.
Variant type: single nucleotide variant.
Coding change: c.2033+1G>T on transcript NM_000293.3 (MANE Select); the canonical splice donor site of the intron after coding-DNA position 2033, G replaced by T.
Molecular consequence: splice donor variant.
Genome position (GRCh38, 1-based): chr16:47,660,568, G>T. VCF-style: chr16-47660568-G-T. GRCh37 (hg19) VCF-style: chr16-47694479-G-T.
Other names: c.2033+1G>T (NM_001363837.1); c.2012+1G>T (NM_001031835.3).
Identifiers: ClinVar variation 4718986 (VCV004718986.1).